The following is an entry in ClinVar:

ClinVar aggregate classification (germline): Uncertain significance (1 of 4 stars; one submission).

Allele frequency attached by ClinVar (database versions not stated): gnomAD 0.00002; TOPMed 0.00002; ESP Exome Variant Server 0.00008.
gnomAD v4.1: 39 of 1,614,064 alleles (0.0024%); highest among the groups gnomAD compares: Non-Finnish European, 0.0032%; no homozygotes.

Submission:

Labcorp Genetics (formerly Invitae), Labcorp
Classification: Uncertain significance. Last evaluated: 2025-03-17. Review status: criteria provided, single submitter. Criteria: Invitae Variant Classification Sherloc (09022015). Collection method: clinical testing. Allele origin: germline.
Comment: This sequence change replaces glutamine, which is neutral and polar, with histidine, which is basic and polar, at codon 427 of the PDP1 protein (p.Gln427His). This variant is present in population databases (rs141493326, gnomAD 0.007%). This variant has not been reported in the literature in individuals affected with PDP1-related conditions. ClinVar contains an entry for this variant (Variation ID: 1007261). An algorithm developed to predict the effect of missense changes on protein structure and function outputs the following: PolyPhen-2: "Probably Damaging". The histidine amino acid residue is found in multiple mammalian species, which suggests that this missense change does not adversely affect protein function. In summary, the available evidence is currently insufficient to determine the role of this variant in disease. Therefore, it has been classified as a Variant of Uncertain Significance.

NM_018444.4(PDP1):c.1281G>C (p.Gln427His)

Gene: PDP1 (pyruvate dehydrogenase phosphatase catalytic subunit 1; plus strand). Cytogenetic location: 8q22.1.
Variant type: single nucleotide variant.
Coding change: c.1281G>C on transcript NM_018444.4 (MANE Select); coding-DNA position 1281, G replaced by C.
Protein change: p.Gln427His; replaces glutamine 427 with histidine.
Molecular consequence: missense variant.
Genome position (GRCh38, 1-based): chr8:93,923,340, G>C. VCF-style: chr8-93923340-G-C. GRCh37 (hg19) VCF-style: chr8-94935568-G-C.
Other names: c.1356G>C, p.Gln452His (NM_001161779.2, NM_001161780.2); c.1281G>C, p.Gln427His (NM_001161781.2); short protein forms Q427H, Q452H.
Identifiers: ClinVar variation 1007261 (VCV001007261.6), dbSNP rs141493326, ClinGen allele CA4808802.